The following is an entry in ClinVar:

ClinVar aggregate classification (germline): Uncertain significance (1 of 4 stars; one submission).

Submission:

GeneDx
Classification: Uncertain significance. Last evaluated: 2024-03-26. Review status: criteria provided, single submitter. Criteria: GeneDx Variant Classification Process June 2021. Collection method: clinical testing. Allele origin: germline. Affected: yes.
Comment: Not observed at significant frequency in large population cohorts (gnomAD); In silico analysis supports that this missense variant has a deleterious effect on protein structure/function; Has not been previously published as pathogenic or benign to our knowledge

NM_001148.6(ANK2):c.2434A>G (p.Thr812Ala)

Gene: ANK2 (ankyrin 2; plus strand). Cytogenetic location: 4q26.
Variant type: single nucleotide variant.
Coding change: c.2434A>G on transcript NM_001148.6 (MANE Select); coding-DNA position 2434, A replaced by G.
Protein change: p.Thr812Ala; replaces threonine 812 with alanine.
Molecular consequence: missense variant.
Genome position (GRCh38, 1-based): chr4:113,293,497, A>G. VCF-style: chr4-113293497-A-G. GRCh37 (hg19) VCF-style: chr4-114214653-A-G.
Other names: c.2371A>G, p.Thr791Ala (NM_001127493.3, NM_001354239.2, NM_001354243.2 and 10 more transcripts); c.2434A>G, p.Thr812Ala (NM_001354225.2, NM_001354228.2, NM_001354232.2 and 6 more transcripts); c.2479A>G, p.Thr827Ala (NM_001354230.2, NM_001354231.2, NM_001354237.2 and 5 more transcripts); c.2335A>G, p.Thr779Ala (NM_001354245.2, NM_001354268.2); c.2347A>G, p.Thr783Ala (NM_001354249.2, NM_001354264.2, NM_001354266.2 and 10 more transcripts); c.2272A>G, p.Thr758Ala (NM_001354253.2, NM_001354257.2, NM_001354270.2 and 1 more transcripts); c.2248A>G, p.Thr750Ala (NM_001354260.2, NM_001354271.2, NM_001386151.1); c.2392A>G, p.Thr798Ala (NM_001354261.2, NM_001386147.1, NM_001386160.1); and 9 more; short protein forms T21A, T684A, T717A, T742A, T746A, T750A, T758A, T779A.
Identifiers: ClinVar variation 3253154 (VCV003253154.1), dbSNP rs2497235118.